The following is an entry in ClinVar:

NM_002336.3(LRP6):c.635A>T (p.Asp212Val)

Gene: LRP6 (LDL receptor related protein 6; minus strand). Cytogenetic location: 12p13.2.
Variant type: single nucleotide variant.
Coding change: c.635A>T on transcript NM_002336.3 (MANE Select); coding-DNA position 635, A replaced by T.
Protein change: p.Asp212Val; replaces aspartic acid 212 with valine.
Molecular consequence: missense variant.
Genome position (GRCh38, 1-based): chr12:12,203,215, T>A on the plus strand (A>T on the coding strand, the complement: LRP6 is on the minus strand). VCF-style: chr12-12203215-T-A. GRCh37 (hg19) VCF-style: chr12-12356149-T-A.
Other names: short protein forms D212V.
Identifiers: ClinVar variation 1708909 (VCV001708909.2), dbSNP rs746472790, ClinGen allele CA6455837.

ClinVar aggregate classification (germline): Uncertain significance (1 of 4 stars; one submission).

Allele frequency attached by ClinVar (database versions not stated): gnomAD exomes below 0.00001; ExAC 0.00001.
gnomAD v4.1: 1 of 1,609,686 alleles (0.000062%); highest among the groups gnomAD compares: Non-Finnish European, 0.000085%; no homozygotes.

Submission:

GeneDx
Classification: Uncertain significance. Last evaluated: 2022-04-06. Review status: criteria provided, single submitter. Criteria: GeneDx Variant Classification Process June 2021. Collection method: clinical testing. Allele origin: germline. Affected: yes.
Comment: Not observed at significant frequency in large population cohorts (gnomAD); In silico analysis supports that this missense variant has a deleterious effect on protein structure/function; Has not been previously published as pathogenic or benign to our knowledge